The following is an entry in ClinVar:

NM_004655.4(AXIN2):c.577T>A (p.Ser193Thr)

Gene: AXIN2 (axin 2; minus strand). Cytogenetic location: 17q24.1.
Variant type: single nucleotide variant.
Coding change: c.577T>A on transcript NM_004655.4 (MANE Select); coding-DNA position 577, T replaced by A.
Protein change: p.Ser193Thr; replaces serine 193 with threonine.
Molecular consequence: missense variant.
Genome position (GRCh38, 1-based): chr17:65,558,044, A>T on the plus strand (T>A on the coding strand, the complement: AXIN2 is on the minus strand). VCF-style: chr17-65558044-A-T. GRCh37 (hg19) VCF-style: chr17-63554162-A-T.
Other names: c.577T>A, p.Ser193Thr (NM_001363813.1); short protein forms S193T.
Identifiers: ClinVar variation 2896490 (VCV002896490.4), dbSNP rs2544249343, ClinGen allele CA400680821.

ClinVar aggregate classification (germline): Uncertain significance. Review status: criteria provided, multiple submitters, no conflicts (2 of 4 stars). 2 submissions from 2 submitters: Uncertain significance (2). Last evaluated 2025-10-26.

Conditions:
Oligodontia-cancer predisposition syndrome. Also called: TOOTH AGENESIS-COLORECTAL CANCER SYNDROME. Identifiers: Orphanet 300576, MedGen C1837750, MONDO:0012075, OMIM 608615. Disease mechanism: loss of function.
Hereditary cancer-predisposing syndrome. Also called: Neoplastic Syndromes, Hereditary; Hereditary neoplastic syndrome; Tumor predisposition; Hereditary Cancer Syndrome. Identifiers: Orphanet 140162, MedGen C0027672, MeSH D009386, MONDO:0015356.

Submissions (2):

Ambry Genetics
Classification: Uncertain significance for Hereditary cancer-predisposing syndrome. Last evaluated: 2025-10-26. Review status: criteria provided, single submitter. Criteria: Ambry Variant Classification Scheme 2023. Collection method: clinical testing. Allele origin: germline.
Comment: The p.S193T variant (also known as c.577T>A), located in coding exon 1 of the AXIN2 gene, results from a T to A substitution at nucleotide position 577. The serine at codon 193 is replaced by threonine, an amino acid with similar properties. This amino acid position is conserved. In addition, this alteration is predicted to be deleterious by in silico analysis. Based on the available evidence, the clinical significance of this variant remains unclear.

Labcorp Genetics (formerly Invitae), Labcorp
Classification: Uncertain significance for Oligodontia-cancer predisposition syndrome. Last evaluated: 2025-10-07. Review status: criteria provided, single submitter. Criteria: Invitae Variant Classification Sherloc (09022015). Collection method: clinical testing. Allele origin: germline.
Comment: This sequence change replaces serine, which is neutral and polar, with threonine, which is neutral and polar, at codon 193 of the AXIN2 protein (p.Ser193Thr). This variant is not present in population databases (gnomAD no frequency). This variant has not been reported in the literature in individuals affected with AXIN2-related conditions. ClinVar contains an entry for this variant (Variation ID: 2896490). Invitae Evidence Modeling of protein sequence and biophysical properties (such as structural, functional, and spatial information, amino acid conservation, physicochemical variation, residue mobility, and thermodynamic stability) indicates that this missense variant is expected to disrupt AXIN2 protein function with a positive predictive value of 80%. In summary, the available evidence is currently insufficient to determine the role of this variant in disease. Therefore, it has been classified as a Variant of Uncertain Significance.